The following is an entry in ClinVar:

NM_004279.3(PMPCB):c.849+1G>A

Gene: PMPCB (peptidase, mitochondrial processing subunit beta; plus strand). Cytogenetic location: 7q22.1.
Variant type: single nucleotide variant.
Coding change: c.849+1G>A on transcript NM_004279.3 (MANE Select); the canonical splice donor site of the intron after coding-DNA position 849, G replaced by A.
Molecular consequence: splice donor variant.
Genome position (GRCh38, 1-based): chr7:103,307,709, G>A. VCF-style: chr7-103307709-G-A. GRCh37 (hg19) VCF-style: chr7-102948156-G-A.
Other names: c.849+1G>A (NM_001438231.1).
Identifiers: ClinVar variation 4881322 (VCV004881322.2).

ClinVar aggregate classification (germline): Uncertain significance (1 of 4 stars; one submission).

Submission:

Dasa
Classification: Uncertain significance. Last evaluated: 2025-06-05. Review status: criteria provided, single submitter. Criteria: DASA Assertion Criteria. Collection method: clinical testing. Allele origin: germline.
Comment: NM_004279.3(PMPCB):c.849+1G>A affects a canonical splice site and is predicted to disrupt normal RNA splicing. This variant is rare in population databases. The currently available literature and clinical evidence are not sufficient to establish a definitive association between this variant and the reported condition. Therefore, this variant is classified as a variant of uncertain significance.